The following is an entry in ClinVar:

NM_013275.6(ANKRD11):c.1844C>T (p.Ala615Val)

Gene: ANKRD11 (ankyrin repeat domain 11; minus strand). Cytogenetic location: 16q24.3.
Variant type: single nucleotide variant.
Coding change: c.1844C>T on transcript NM_013275.6 (MANE Select); coding-DNA position 1844, C replaced by T.
Protein change: p.Ala615Val; replaces alanine 615 with valine.
Molecular consequence: missense variant.
Genome position (GRCh38, 1-based): chr16:89,284,698, G>A on the plus strand (C>T on the coding strand, the complement: ANKRD11 is on the minus strand). VCF-style: chr16-89284698-G-A. GRCh37 (hg19) VCF-style: chr16-89351106-G-A.
Other names: c.1844C>T (NM_013275.4, NM_013275.5); c.1844C>T, p.Ala615Val (NM_001256182.2, NM_001256183.2); short protein forms A615V.
Identifiers: ClinVar variation 1298683 (VCV001298683.43), dbSNP rs115797011, ClinGen allele CA8242677.
Genomic context (GRCh38, chr16:89,284,698, plus strand): 5'-TTTGTTTTATGTTTTTTGACAACTTTCCCCTCCTTGTCCAGTTTGGGGACAGCGCCCTCC[G>A]CGCTGGACAGGAAGGGGCTCTTCTTCTCCGACAGGGAGGCTCGCTTCCTGTGCTCCTGCC-3'
Protein context (NP_037407.4, residues 605-625): SEKKSPFLSS[Ala615Val]EGAVPKLDKE

ClinVar aggregate classification (germline): Likely benign. Review status: criteria provided, multiple submitters, no conflicts (2 of 4 stars). 5 submissions from 5 submitters: Likely benign (4). 1 of the submissions does not count toward it. Last evaluated 2026-02-01.

Conditions:
KBG syndrome (KBGS). Also called: ANKRD11-Related KBG Syndrome. Identifiers: Orphanet 2332, MedGen C0220687, MONDO:0007846, OMIM 148050.
Inborn genetic diseases. Identifiers: MedGen C0950123, MeSH D030342.
ANKRD11-related disorder. Also called: ANKRD11-related condition.

Allele frequency attached by ClinVar (database versions not stated): 1000 Genomes Project 30x 0.00016.
gnomAD v4.1: 289 of 1,613,842 alleles (0.018%); highest among the groups gnomAD compares: South Asian, 0.054%; 1 homozygote.

Submissions (5):

Labcorp Genetics (formerly Invitae), Labcorp
Classification: Likely benign for KBG syndrome. Last evaluated: 2026-02-01. Review status: criteria provided, single submitter. Criteria: Invitae Variant Classification Sherloc (09022015). Collection method: clinical testing. Allele origin: germline.

CeGaT Center for Human Genetics Tuebingen
Classification: Likely benign. Last evaluated: 2025-04-01. Review status: criteria provided, single submitter. Criteria: CeGaT Center For Human Genetics Tuebingen Variant Classification Criteria Version 2. Collection method: clinical testing. Allele origin: germline. Affected: yes. Observed: 5 variant alleles.
Comment: ANKRD11: BP4

Blueprint Genetics
Classification: Likely benign. Last evaluated: 2024-11-21. Review status: criteria provided, single submitter. Criteria: ACMG Guidelines, 2015. Collection method: clinical testing. Allele origin: germline.

Ambry Genetics
Classification: Likely benign for Inborn genetic diseases. Last evaluated: 2021-07-19. Review status: criteria provided, single submitter. Criteria: Ambry Variant Classification Scheme 2023. Collection method: clinical testing. Allele origin: germline.

PreventionGenetics, part of Exact Sciences
Classification: Likely benign for ANKRD11-related condition. Last evaluated: 2024-01-25. Review status: no assertion criteria provided. Collection method: clinical testing. Allele origin: germline. Not counted in ClinVar's aggregate classification.
Comment: This variant is classified as likely benign based on ACMG/AMP sequence variant interpretation guidelines (Richards et al. 2015 PMID: 25741868, with internal and published modifications).